The following is an entry in ClinVar:

ClinVar aggregate classification (germline): Likely benign (1 of 4 stars; one submission).

Submission:

CeGaT Center for Human Genetics Tuebingen
Classification: Likely benign. Last evaluated: 2025-09-01. Review status: criteria provided, single submitter. Criteria: CeGaT Center For Human Genetics Tuebingen Variant Classification Criteria Version 2. Collection method: clinical testing. Allele origin: germline. Affected: yes. Observed: 1 variant allele.
Comment: HLA-C: BP4, BP7

NM_002117.6(HLA-C):c.354C>T (p.Thr118=)

Gene: HLA-C (major histocompatibility complex, class I, C; minus strand). Cytogenetic location: 6p21.33.
Variant type: single nucleotide variant.
Coding change: c.354C>T on transcript NM_002117.6 (MANE Select); coding-DNA position 354, C replaced by T.
Protein change: p.Thr118=; no amino-acid change (threonine 118 retained).
Molecular consequence: synonymous variant.
Genome position (GRCh38, 1-based): chr6:31,271,338, G>A on the plus strand (C>T on the coding strand, the complement: HLA-C is on the minus strand). VCF-style: chr6-31271338-G-A. GRCh37 (hg19) VCF-style: chr6-31239115-G-A.
Other names: c.354C>T, p.Thr118= (NM_001243042.1).
Identifiers: ClinVar variation 4280767 (VCV004280767.7), dbSNP rs201542001.